The following is an entry in ClinVar:

NM_002834.5(PTPN11):c.1504T>C (p.Ser502Pro)

Gene: PTPN11 (protein tyrosine phosphatase non-receptor type 11; plus strand). Cytogenetic location: 12q24.13.
Variant type: single nucleotide variant.
Coding change: c.1504T>C on transcript NM_002834.5 (MANE Select); coding-DNA position 1504, T replaced by C.
Protein change: p.Ser502Pro; replaces serine 502 with proline.
Molecular consequence: missense variant.
Genome position (GRCh38, 1-based): chr12:112,489,080, T>C. VCF-style: chr12-112489080-T-C. GRCh37 (hg19) VCF-style: chr12-112926884-T-C.
Other names: c.1516T>C, p.Ser506Pro (NM_001330437.2); c.1501T>C, p.Ser501Pro (NM_001374625.1); short protein forms S501P, S502P, S506P.
Identifiers: ClinVar variation 4530411 (VCV004530411.3).

ClinVar aggregate classification (germline): Likely pathogenic. Review status: criteria provided, multiple submitters, no conflicts (2 of 4 stars). 2 submissions from 2 submitters: Likely pathogenic (2). Last evaluated 2026-02-03.
ClinVar aggregate classification (somatic clinical impact): Tier I - Strong (1 of 4 stars; one submission).

Conditions:
Noonan syndrome 1 (NS1). Also called: FEMALE PSEUDO-TURNER SYNDROME; TURNER PHENOTYPE WITH NORMAL KARYOTYPE; PTPN11-Related Noonan Syndrome. Identifiers: Orphanet 648, MedGen C4551602, MONDO:0008104, OMIM 163950. Disease mechanism: gain of function.
Embryonal rhabdomyosarcoma (ERMS). Also called: Botryoid rhabdomyosarcoma (type of ERMS); Spindle cell rhabdomyosarcomas (type of ERMS). Identifiers: Orphanet 99757, MedGen C0206656, MONDO:0009993, HP:0006743.

Submissions (3):

GeneDx
Classification: Likely pathogenic. Last evaluated: 2026-02-03. Review status: criteria provided, single submitter. Criteria: GeneDx Variant Classification Process June 2021. Collection method: clinical testing. Allele origin: germline.
Comment: Not observed at significant frequency in large population cohorts (gnomAD); Missense variants in this gene are a common cause of disease and they are underrepresented in the general population; In silico analysis supports that this missense variant has a deleterious effect on protein structure/function; This variant is associated with the following publications: (PMID: 14982869, 29493581, 27030275, 39345464)

Clinical Genomics Laboratory, Washington University in St. Louis
Classification: Likely pathogenic for Noonan syndrome 1. Last evaluated: 2025-11-07. Review status: criteria provided, single submitter. Criteria: ACMG Guidelines, 2015. Collection method: clinical testing. Allele origin: germline. Affected: yes.
Comment: A PTPN11 c.1504T>C (p.Ser502Pro) variant was identified at an allelic fraction consistent with somatic origin. PTPN11 c.1504T>C (p.Ser502Pro) variant, to our knowledge, has not been reported in the medical literature for individuals with vascular anomalies but has been reported in various cancers in the cancer database COSMIC (Genomic Mutation ID: COSV61007751). This variant is absent from the general population (gnomAD v4.1.0), indicating it is not a common variant. Computational predictors indicate that the variant is damaging, evidence that correlates with impact to PTPN11 function. Other variants in the same codon, c.1504T>A (p.Ser502Thr) and c.1504T>G (p.Ser502Ala), have been reported recurrently as pathogenic in a germline state (ClinVar Variation IDs: 13332 and 40556). The PTPN11 gene is defined by the ClinGen RASopathy expert panel as a gene that has a low rate of benign missense variation and where pathogenic missense variants are a common mechanism of disease (Wilcox E et al., PMID: 40496714). Based on available information and an internally developed protocol informed by the ACMG/AMP guidelines for variant interpretation and gene-specific practices from the ClinGen Criteria Specification Registry (Leon-Quintero FZ et al., PMID: 39434542), the PTPN11 c.1504T>C (p.Ser502Pro) variant is classified as likely pathogenic.

Institute for Genomic Medicine (IGM) Clinical Laboratory, Nationwide Children's Hospital
Classification: Tier I - Strong for Embryonal rhabdomyosarcoma. Assertion type: diagnostic. Clinical significance: supports diagnosis. Last evaluated: 2024-07-28. Review status: criteria provided, single submitter. Criteria: AMP/ASCO/CAP Guidelines, 2017. Collection method: clinical testing. Allele origin: somatic. Affected: yes.
Comment: Variant has Tier I (strong) clinical significance as a diagnostic inclusion criterion in embryonal rhabdomyosarcoma, based on the following evidence: 1) Documented in one or more cancer databases (e.g., St. Jude Pecan, COSMIC, CIViC, OncoKB). 2) Information in the literature supports potential biologic effect of variant (PMIDs: 27030275, 30018082). 3) Diagnostic for a specific tumor type/classification based on well-powered studies with expert-level consensus (Evidence Level B; PMIDs: 24436047, 34166060, 26138366, 16518851, 19681119, 22142829).

Literature cited by the submitters: PubMed 27030275 (cited by Institute for Genomic Medicine (IGM) Clinical Laboratory, Nationwide Children's Hospital); PubMed 30018082 (cited by Institute for Genomic Medicine (IGM) Clinical Laboratory, Nationwide Children's Hospital); PubMed 24436047 (cited by Institute for Genomic Medicine (IGM) Clinical Laboratory, Nationwide Children's Hospital); PubMed 34166060 (cited by Institute for Genomic Medicine (IGM) Clinical Laboratory, Nationwide Children's Hospital); PubMed 26138366 (cited by Institute for Genomic Medicine (IGM) Clinical Laboratory, Nationwide Children's Hospital); PubMed 16518851 (cited by Institute for Genomic Medicine (IGM) Clinical Laboratory, Nationwide Children's Hospital); PubMed 19681119 (cited by Institute for Genomic Medicine (IGM) Clinical Laboratory, Nationwide Children's Hospital); PubMed 22142829 (cited by Institute for Genomic Medicine (IGM) Clinical Laboratory, Nationwide Children's Hospital).